The following is an entry in ClinVar:

NM_032043.3(BRIP1):c.1228del (p.Ser409_Val410insTer)

Gene: BRIP1 (BRCA1 interacting DNA helicase 1; minus strand). Cytogenetic location: 17q23.2.
Variant type: Deletion.
Coding change: c.1228del on transcript NM_032043.3 (MANE Select); coding-DNA position 1228, one base deleted (G; older notation c.1228delG).
Protein change: p.Ser409_Val410insTer.
Molecular consequence: nonsense.
Genome position (GRCh38, 1-based): chr17:61,799,212, C deleted on the plus strand (G on the coding strand, the reverse complement: BRIP1 is on the minus strand). VCF-style (leftmost placement, unchanged base first): chr17-61799211-AC-A. GRCh37 (hg19) VCF-style: chr17-59876572-AC-A.
Identifiers: ClinVar variation 2584195 (VCV002584195.2), dbSNP rs2545137476, ClinGen allele CA2582342231.

ClinVar aggregate classification (germline): Pathogenic (1 of 4 stars; one submission).

Conditions:
Familial cancer of breast. Also called: BREAST CANCER, FAMILIAL; hereditary breast carcinoma; Hereditary breast cancer. Identifiers: Orphanet 227535, MedGen C0346153, MONDO:0016419, OMIM 114480. Disease mechanism: loss of function.

Submission:

Myriad Genetics, Inc.
Classification: Pathogenic for Familial cancer of breast. Last evaluated: 2023-06-01. Review status: criteria provided, single submitter. Criteria: Myriad Autosomal Dominant, Autosomal Recessive and X-Linked Classification Criteria (2023). Collection method: clinical testing. Allele origin: unknown.
Comment: This variant is considered pathogenic. This variant creates a termination codon and is predicted to result in premature protein truncation.